The following is an entry in ClinVar:

NM_001379500.1(COL18A1):c.107-11632C>T

Gene: COL18A1 (collagen type XVIII alpha 1 chain; plus strand). Cytogenetic location: 21q22.3.
Variant type: single nucleotide variant.
Coding change: c.107-11632C>T on transcript NM_001379500.1 (MANE Select); 11632 bases into the intron before coding-DNA position 107, C replaced by T.
Molecular consequence: intron variant. On other transcripts: synonymous variant (1).
Genome position (GRCh38, 1-based): chr21:45,456,610, C>T. VCF-style: chr21-45456610-C-T. GRCh37 (hg19) VCF-style: chr21-46876524-C-T.
Other names: c.1080C>T, p.His360= (NM_130444.3); c.646+434C>T (NM_030582.4).
Identifiers: ClinVar variation 3036589 (VCV003036589.6), dbSNP rs765441466, ClinGen allele CA10065618.

ClinVar aggregate classification (germline): Likely benign. Review status: criteria provided, single submitter (1 of 4 stars). 2 submissions from 2 submitters: Likely benign (1). 1 of the submissions does not count toward it. Last evaluated 2026-01-01.

Conditions:
COL18A1-related disorder. Also called: COL18A1-related disorders; COL18A1-related condition.

Allele frequency attached by ClinVar (database versions not stated): TOPMed 0.00006.
gnomAD v4.1: 67 of 1,540,116 alleles (0.0044%); highest among the groups gnomAD compares: African/African-American, 0.022%; 1 homozygote.

Submissions (2):

CeGaT Center for Human Genetics Tuebingen
Classification: Likely benign. Last evaluated: 2026-01-01. Review status: criteria provided, single submitter. Criteria: CeGaT Center For Human Genetics Tuebingen Variant Classification Criteria Version 2. Collection method: clinical testing. Allele origin: germline. Affected: yes. Observed: 1 variant allele.
Comment: COL18A1: BP4, BP7

PreventionGenetics, part of Exact Sciences
Classification: Likely benign for COL18A1-related condition. Last evaluated: 2021-01-04. Review status: no assertion criteria provided. Collection method: clinical testing. Allele origin: germline. Not counted in ClinVar's aggregate classification.
Comment: This variant is classified as likely benign based on ACMG/AMP sequence variant interpretation guidelines (Richards et al. 2015 PMID: 25741868, with internal and published modifications).